The following is an entry in ClinVar:

NM_000170.3(GLDC):c.2377G>A (p.Asp793Asn)

Gene: GLDC (glycine decarboxylase; minus strand). Cytogenetic location: 9p24.1.
Variant type: single nucleotide variant.
Coding change: c.2377G>A on transcript NM_000170.3 (MANE Select); coding-DNA position 2377, G replaced by A.
Protein change: p.Asp793Asn; replaces aspartic acid 793 with asparagine.
Molecular consequence: missense variant.
Genome position (GRCh38, 1-based): chr9:6,553,448, C>T on the plus strand (G>A on the coding strand, the complement: GLDC is on the minus strand). VCF-style: chr9-6553448-C-T. GRCh37 (hg19) VCF-style: chr9-6553448-C-T.
Other names: short protein forms D793N.
Identifiers: ClinVar variation 1509536 (VCV001509536.5), dbSNP rs776288649, ClinGen allele CA372878636.
Genomic context (GRCh38, chr9:6,553,448, plus strand): 5'-TGGGCAAGATGGAACTGGAGCCCCATGGGGCCGCACTGACGGTTCCCACAGGACAGGCAT[C>T]CTCATTCCGCTTTAGTGAAATGACGGGATGATTGGGCAAAAACGGGGCGAGATGTTTCTT-3'
Protein context (NP_000161.2, residues 783-803): HPVISLKRNE[Asp793Asn]ACPVGTVSAA

ClinVar aggregate classification (germline): Uncertain significance (1 of 4 stars; one submission).

Conditions:
Glycine encephalopathy. Also called: Nonketotic hyperglycinemia; Non-ketotic hyperglycinemia. Identifiers: Orphanet 407, MedGen C0751748, MONDO:0011612, HP:0008288.

Allele frequency attached by ClinVar (database versions not stated): TOPMed below 0.00001.
gnomAD v4.1: 2 of 1,613,870 alleles (0.00012%); highest among the groups gnomAD compares: Non-Finnish European, 0.00017%; no homozygotes.

Submission:

Labcorp Genetics (formerly Invitae), Labcorp
Classification: Uncertain significance for Glycine encephalopathy. Last evaluated: 2022-05-09. Review status: criteria provided, single submitter. Criteria: Invitae Variant Classification Sherloc (09022015). Collection method: clinical testing. Allele origin: germline.
Comment: This sequence change replaces aspartic acid, which is acidic and polar, with asparagine, which is neutral and polar, at codon 793 of the GLDC protein (p.Asp793Asn). This variant is present in population databases (no rsID available, gnomAD 0.0009%). This variant has not been reported in the literature in individuals affected with GLDC-related conditions. Advanced modeling of protein sequence and biophysical properties (such as structural, functional, and spatial information, amino acid conservation, physicochemical variation, residue mobility, and thermodynamic stability) performed at Invitae indicates that this missense variant is not expected to disrupt GLDC protein function. In summary, the available evidence is currently insufficient to determine the role of this variant in disease. Therefore, it has been classified as a Variant of Uncertain Significance.